The following is an entry in ClinVar:

NM_031307.4(PUS3):c.1333GAA[1] (p.Glu446del)

Genes: HYLS1 (HYLS1 centriolar and ciliogenesis associated; plus strand), PUS3 (pseudouridine synthase 3; minus strand). Cytogenetic location: 11q24.2.
Variant type: Microsatellite.
Coding change: c.1333GAA[1] on transcript NM_031307.4 (MANE Select); one copy of the 3-base unit GAA starting at c.1333; the reference has two copies in a row; one copy, 3 bases deleted.
Protein change: p.Glu446del; deletes glutamic acid 446.
Molecular consequence: inframe deletion. On other transcripts: intron variant (5).
Genome position (GRCh38, 1-based): chr11:125,893,893-125,893,895, TTC deleted on the plus strand (GAA on the coding strand, the reverse complement: PUS3 is on the minus strand); deleting any 3 consecutive bases within chr11:125,893,893-125,893,898 gives the same sequence; the position shown is the placement nearest the transcript's 3' end. VCF-style (leftmost placement, unchanged base first): chr11-125893892-TTTC-T. GRCh37 (hg19) VCF-style: chr11-125763787-TTTC-T.
Other names: c.709GAA[1], p.Glu238del (NM_001271985.2); c.-81+2424_-81+2426del (NM_145014.3); c.-26+2424_-26+2426del (NM_001134793.2); c.-23+2424_-23+2426del (NM_001424364.1); c.-25-5448_-25-5446del (NM_001377269.1); c.-22-5451_-22-5449del (NM_001377270.1); short protein forms E238del, E446del.
Identifiers: ClinVar variation 1878675 (VCV001878675.1), dbSNP rs1944488844, ClinGen allele CA2006876087.

ClinVar aggregate classification (germline): Uncertain significance (1 of 4 stars; one submission).

Submission:

GeneDx
Classification: Uncertain significance. Last evaluated: 2022-07-14. Review status: criteria provided, single submitter. Criteria: GeneDx Variant Classification Process June 2021. Collection method: clinical testing. Allele origin: germline. Affected: yes.
Comment: Not observed at significant frequency in large population cohorts (gnomAD); In-frame deletion of 1 amino acid in a non-repeat region; In silico analysis supports that this variant does not alter protein structure/function; Has not been previously published as pathogenic or benign to our knowledge